The following is an entry in ClinVar:

ClinVar aggregate classification (germline): Uncertain significance (1 of 4 stars; one submission).

Conditions:
Cardiovascular phenotype. Identifiers: MedGen CN230736.

Submission:

Ambry Genetics
Classification: Uncertain significance for Cardiovascular phenotype. Last evaluated: 2026-04-24. Review status: criteria provided, single submitter. Criteria: Ambry Variant Classification Scheme 2023. Collection method: clinical testing. Allele origin: germline.
Comment: The p.S799A variant (also known as c.2395T>G), located in coding exon 15 of the CBL gene, results from a T to G substitution at nucleotide position 2395. The serine at codon 799 is replaced by alanine, an amino acid with similar properties. This amino acid position is conserved. In addition, this alteration is predicted to be tolerated by in silico analysis. Based on the available evidence, the clinical significance of this variant remains unclear.

NM_005188.4(CBL):c.2395T>G (p.Ser799Ala)

Gene: CBL (Cbl proto-oncogene; plus strand). Cytogenetic location: 11q23.3.
Variant type: single nucleotide variant.
Coding change: c.2395T>G on transcript NM_005188.4 (MANE Select); coding-DNA position 2395, T replaced by G.
Protein change: p.Ser799Ala; replaces serine 799 with alanine.
Molecular consequence: missense variant.
Genome position (GRCh38, 1-based): chr11:119,298,501, T>G. VCF-style: chr11-119298501-T-G. GRCh37 (hg19) VCF-style: chr11-119169211-T-G.
Other names: short protein forms S799A.
Identifiers: ClinVar variation 4868238 (VCV004868238.1).
Genomic context (GRCh38, chr11:119,298,501, plus strand): 5'-CCACCTGTGCCGGCCGTGCTGGCCCGCCGAACTCTCTCAGATATCTCTAATGCCAGCTCC[T>G]CCTTTGGCTGGTTGTCTCTGGATGGTGATCCTACAACAAGTGAGTCTCCAGACTACTTTG-3'
Protein context (NP_005179.2, residues 789-809): TLSDISNASS[Ser799Ala]FGWLSLDGDP